The following is an entry in ClinVar:

ClinVar aggregate classification (germline): Likely benign (1 of 4 stars; one submission).

Conditions:
Blepharophimosis, ptosis, and epicanthus inversus syndrome. Identifiers: Orphanet 126, MedGen C0220663, MONDO:0007201, OMIM 110100.

Submission:

Genomic Diagnostic Laboratory, Division of Genomic Diagnostics, Children's Hospital of Philadelphia
Classification: Likely benign for Blepharophimosis, ptosis, and epicanthus inversus syndrome. Last evaluated: 2016-11-03. Review status: criteria provided, single submitter. Criteria: DGD Variant Analysis Guidelines. Collection method: clinical testing. Allele origin: germline. Affected: yes. Observed: 1 variant allele.
Comment: Clinical Testing

NM_023067.4(FOXL2):c.799C>A (p.Pro267Thr)

Gene: FOXL2 (forkhead box L2; minus strand). Cytogenetic location: 3q22.3.
Variant type: single nucleotide variant.
Coding change: c.799C>A on transcript NM_023067.4 (MANE Select); coding-DNA position 799, C replaced by A.
Protein change: p.Pro267Thr; replaces proline 267 with threonine.
Molecular consequence: missense variant.
Genome position (GRCh38, 1-based): chr3:138,945,924, G>T on the plus strand (C>A on the coding strand, the complement: FOXL2 is on the minus strand). VCF-style: chr3-138945924-G-T. GRCh37 (hg19) VCF-style: chr3-138664766-G-T.
Other names: short protein forms P267T.
Identifiers: ClinVar variation 369929 (VCV000369929.1), dbSNP rs753641620, ClinGen allele CA10654865.